The following is an entry in ClinVar:

NM_022092.3(CHTF18):c.2027T>G (p.Leu676Arg)

Gene: CHTF18 (chromosome transmission fidelity factor 18; plus strand). Cytogenetic location: 16p13.3.
Variant type: single nucleotide variant.
Coding change: c.2027T>G on transcript NM_022092.3 (MANE Select); coding-DNA position 2027, T replaced by G.
Protein change: p.Leu676Arg; replaces leucine 676 with arginine.
Molecular consequence: missense variant.
Genome position (GRCh38, 1-based): chr16:795,208, T>G. VCF-style: chr16-795208-T-G. GRCh37 (hg19) VCF-style: chr16-845208-T-G.
Other names: short protein forms L676R.
Identifiers: ClinVar variation 3340157 (VCV003340157.1).

ClinVar aggregate classification (germline): Uncertain significance (1 of 4 stars; one submission).

Submission:

GeneDx
Classification: Uncertain significance. Last evaluated: 2024-05-23. Review status: criteria provided, single submitter. Criteria: GeneDx Variant Classification Process June 2021. Collection method: clinical testing. Allele origin: germline. Affected: yes.
Comment: Not observed at significant frequency in large population cohorts (gnomAD); In silico analysis supports that this missense variant has a deleterious effect on protein structure/function; Has not been previously published as pathogenic or benign to our knowledge; Variants in candidate genes are classified as variants of uncertain significance in accordance with ACMG guidelines (PMID: 25741868)